The following is an entry in ClinVar:

NM_007214.5(SEC63):c.1936-9dup

Gene: SEC63 (SEC63 protein translocation regulator; minus strand). Cytogenetic location: 6q21.
Variant type: Duplication.
Coding change: c.1936-9dup on transcript NM_007214.5 (MANE Select); 9 bases into the intron before coding-DNA position 1936, one base duplicated (T; older notation c.1936-9dupT).
Molecular consequence: intron variant.
Genome position (GRCh38, 1-based): chr6:107,876,671, A duplicated on the plus strand (T on the coding strand, the reverse complement: SEC63 is on the minus strand); the first of 19 consecutive A bases (chr6:107,876,671-107,876,689); duplicating any one gives the same sequence. VCF-style (leftmost placement, unchanged base first): chr6-107876670-C-CA. GRCh37 (hg19) VCF-style: chr6-108197874-C-CA.
Other names: p.?.
Identifiers: ClinVar variation 3067975 (VCV003067975.3), dbSNP rs749125299, ClinGen allele CA145654126.

ClinVar aggregate classification (germline): Conflicting classifications of pathogenicity. Review status: criteria provided, conflicting classifications (1 of 4 stars). 3 submissions from 3 submitters: Uncertain significance (1); Benign (1); Likely benign (1). Last evaluated 2025-12-25.

Conditions:
Polycystic liver disease 2 (PCLD2). Also called: Polycystic liver disease 2 with or without kidney cysts. Identifiers: Orphanet 2924, MedGen C4310769, MONDO:0014860, OMIM 617004.

Submissions (3):

Labcorp Genetics (formerly Invitae), Labcorp
Classification: Benign. Last evaluated: 2025-12-25. Review status: criteria provided, single submitter. Criteria: Invitae Variant Classification Sherloc (09022015). Collection method: clinical testing. Allele origin: germline.

Mayo Clinic Laboratories, Mayo Clinic
Classification: Likely benign. Last evaluated: 2025-06-26. Review status: criteria provided, single submitter. Criteria: ACMG Guidelines, 2015. Collection method: clinical testing. Allele origin: germline. Observed: 17 variant alleles.
Comment: BP3, BP4, BP7

Genomic Medicine Center of Excellence, King Faisal Specialist Hospital and Research Centre
Classification: Uncertain significance for Polycystic liver disease 2. Last evaluated: 2024-04-04. Review status: criteria provided, single submitter. Criteria: ACMG Guidelines, 2015. Collection method: clinical testing. Allele origin: germline.